The following is an entry in ClinVar:

ClinVar aggregate classification (germline): Conflicting classifications of pathogenicity. Review status: criteria provided, conflicting classifications (1 of 4 stars). 2 submissions from 2 submitters: Uncertain significance (1); Likely benign (1). Last evaluated 2026-04-10.

Conditions:
Inborn genetic diseases. Identifiers: MedGen C0950123, MeSH D030342.
Baller-Gerold syndrome (BGS). Also called: CRANIOSYNOSTOSIS WITH RADIAL DEFECTS. Identifiers: Orphanet 1225, MedGen C0265308, MONDO:0009039, OMIM 218600.

gnomAD v4.1: 1 of 1,564,910 alleles (0.000064%); highest among the groups gnomAD compares: Admixed American, 0.0019%; no homozygotes.

Submissions (2):

Ambry Genetics
Classification: Likely benign for Inborn genetic diseases. Last evaluated: 2026-04-10. Review status: criteria provided, single submitter. Criteria: Ambry Variant Classification Scheme 2023. Collection method: clinical testing. Allele origin: germline.

Labcorp Genetics (formerly Invitae), Labcorp
Classification: Uncertain significance for Baller-Gerold syndrome. Last evaluated: 2022-08-08. Review status: criteria provided, single submitter. Criteria: Invitae Variant Classification Sherloc (09022015). Collection method: clinical testing. Allele origin: germline.
Comment: This sequence change replaces alanine, which is neutral and non-polar, with valine, which is neutral and non-polar, at codon 488 of the RECQL4 protein (p.Ala488Val). This variant is not present in population databases (gnomAD no frequency). This variant has not been reported in the literature in individuals affected with RECQL4-related conditions. ClinVar contains an entry for this variant (Variation ID: 1482228). Experimental studies and prediction algorithms are not available or were not evaluated, and the functional significance of this variant is currently unknown. In summary, the available evidence is currently insufficient to determine the role of this variant in disease. Therefore, it has been classified as a Variant of Uncertain Significance.

NM_004260.4(RECQL4):c.1463C>T (p.Ala488Val)

Gene: RECQL4 (RecQ like helicase 4; minus strand). Cytogenetic location: 8q24.3.
Variant type: single nucleotide variant.
Coding change: c.1463C>T on transcript NM_004260.4 (MANE Select); coding-DNA position 1463, C replaced by T.
Protein change: p.Ala488Val; replaces alanine 488 with valine.
Molecular consequence: missense variant.
Genome position (GRCh38, 1-based): chr8:144,515,170, G>A on the plus strand (C>T on the coding strand, the complement: RECQL4 is on the minus strand). VCF-style: chr8-144515170-G-A. GRCh37 (hg19) VCF-style: chr8-145740554-G-A.
Other names: c.1463C>T (NM_004260.3); short protein forms A488V.
Identifiers: ClinVar variation 1482228 (VCV001482228.4), dbSNP rs2130705655, ClinGen allele CA372684632.